The following is an entry in ClinVar:

NM_000059.4(BRCA2):c.76C>T (p.Pro26Ser)

Gene: BRCA2 (BRCA2 DNA repair associated; plus strand). Cytogenetic location: 13q13.1.
Variant type: single nucleotide variant.
Coding change: c.76C>T on transcript NM_000059.4 (MANE Select); coding-DNA position 76, C replaced by T.
Protein change: p.Pro26Ser; replaces proline 26 with serine.
Molecular consequence: missense variant.
Genome position (GRCh38, 1-based): chr13:32,319,085, C>T. VCF-style: chr13-32319085-C-T. GRCh37 (hg19) VCF-style: chr13-32893222-C-T.
Other names: short protein forms P26S.
Identifiers: ClinVar variation 1692129 (VCV001692129.4), dbSNP rs2138703603, ClinGen allele CA387754044.

ClinVar aggregate classification (germline): Uncertain significance. Review status: criteria provided, multiple submitters, no conflicts (2 of 4 stars). 2 submissions from 2 submitters: Uncertain significance (2). Last evaluated 2024-07-15.

Conditions:
Hereditary cancer-predisposing syndrome. Also called: Hereditary Cancer Syndrome; Hereditary neoplastic syndrome; Neoplastic Syndromes, Hereditary; Tumor predisposition. Identifiers: Orphanet 140162, MedGen C0027672, MeSH D009386, MONDO:0015356.

Submissions (2):

Ambry Genetics
Classification: Uncertain significance for Hereditary cancer-predisposing syndrome. Last evaluated: 2024-07-15. Review status: criteria provided, single submitter. Criteria: Ambry Variant Classification Scheme 2023. Collection method: clinical testing. Allele origin: germline.
Comment: The p.P26S variant (also known as c.76C>T), located in coding exon 2 of the BRCA2 gene, results from a C to T substitution at nucleotide position 76. The proline at codon 26 is replaced by serine, an amino acid with similar properties. This amino acid position is highly conserved in available vertebrate species. In addition, this alteration is predicted to be tolerated by in silico analysis. Since supporting evidence is limited at this time, the clinical significance of this alteration remains unclear.

Sema4
Classification: Uncertain significance for Hereditary cancer-predisposing syndrome. Last evaluated: 2021-11-19. Review status: criteria provided, single submitter. Criteria: Sema4 Curation Guidelines. Collection method: curation. Allele origin: germline.
Comment: The BRCA2 c.76C>T (p.P26S) variant has not been reported in the literature to our knowledge. It was not observed in the large and broad cohorts of the Genome Aggregation Database. Functional studies have not been performed, and in silico predictions of the variant's effect on protein function are inconclusive. The evidence is insufficient to meet ACMG/AMP criteria for classifying the variant as benign or pathogenic. Thus, the clinical significance of this variant is currently uncertain.